The following is an entry in ClinVar:

ClinVar aggregate classification (germline): Likely benign (1 of 4 stars; one submission).

Conditions:
Leigh syndrome (NULS). Also called: Leigh's necrotizing encephalopathy; Leigh's disease; Leigh Syndrome (mtDNA deletion); Leigh Disease; Subacute necrotizing encephalopathy; Necrotizing encephalopathy infantile subacute of Leigh. Identifiers: Orphanet 506, MedGen C2931891, MONDO:0009723, OMIM 256000.

Submission:

Wong Mito Lab, Molecular and Human Genetics, Baylor College of Medicine
Classification: Likely benign for Leigh syndrome. Last evaluated: 2019-10-17. Review status: criteria provided, single submitter. Criteria: Modified ACMG Guidelines (Unpublished). Collection method: clinical testing. Allele origin: germline.
Comment: The NC_012920.1:m.10192C>A (YP_003024033.1:p.Ser45Tyr) variant in MTND3 gene is interpretated to be a Likely Benign variant based on the modified ACMG guidelines (unpublished). This variant meets the following evidence codes: BS1, BP4

NC_012920.1(MT-ND3):m.10192C>A

Gene: MT-ND3 (mitochondrially encoded NADH dehydrogenase 3; plus strand).
Variant type: single nucleotide variant.
Genome position: chrM-10192-C-A.
Identifiers: ClinVar variation 693270 (VCV000693270.1), dbSNP rs1556423776, ClinGen allele CA414804477.